The following is an entry in ClinVar:

ClinVar aggregate classification (germline): Uncertain significance (1 of 4 stars; one submission).

Allele frequency attached by ClinVar (database versions not stated): gnomAD exomes below 0.00001; gnomAD 0.00001.
gnomAD v4.1: 5 of 1,610,982 alleles (0.00031%); highest among the groups gnomAD compares: Non-Finnish European, 0.00042%; no homozygotes.

Submission:

Labcorp Genetics (formerly Invitae), Labcorp
Classification: Uncertain significance. Last evaluated: 2024-09-23. Review status: criteria provided, single submitter. Criteria: Invitae Variant Classification Sherloc (09022015). Collection method: clinical testing. Allele origin: germline.
Comment: This sequence change replaces proline, which is neutral and non-polar, with leucine, which is neutral and non-polar, at codon 451 of the KCNQ4 protein (p.Pro451Leu). The frequency data for this variant in the population databases is considered unreliable, as metrics indicate poor data quality at this position in the gnomAD database. This variant has not been reported in the literature in individuals affected with KCNQ4-related conditions. ClinVar contains an entry for this variant (Variation ID: 2061045). Invitae Evidence Modeling of protein sequence and biophysical properties (such as structural, functional, and spatial information, amino acid conservation, physicochemical variation, residue mobility, and thermodynamic stability) has been performed for this missense variant. However, the output from this modeling did not meet the statistical confidence thresholds required to predict the impact of this variant on KCNQ4 protein function. In summary, the available evidence is currently insufficient to determine the role of this variant in disease. Therefore, it has been classified as a Variant of Uncertain Significance.

NM_004700.4(KCNQ4):c.1352C>T (p.Pro451Leu)

Gene: KCNQ4 (potassium voltage-gated channel subfamily Q member 4; plus strand). Cytogenetic location: 1p34.2.
Variant type: single nucleotide variant.
Coding change: c.1352C>T on transcript NM_004700.4 (MANE Select); coding-DNA position 1352, C replaced by T.
Protein change: p.Pro451Leu; replaces proline 451 with leucine.
Molecular consequence: missense variant.
Genome position (GRCh38, 1-based): chr1:40,831,143, C>T. VCF-style: chr1-40831143-C-T. GRCh37 (hg19) VCF-style: chr1-41296815-C-T.
Other names: c.1190C>T, p.Pro397Leu (NM_172163.3); short protein forms P397L, P451L.
Identifiers: ClinVar variation 2061045 (VCV002061045.4), dbSNP rs1333561378, ClinGen allele CA339886111.